The following is an entry in ClinVar:

ClinVar aggregate classification (germline): Uncertain significance (1 of 4 stars; one submission).

Submission:

Labcorp Genetics (formerly Invitae), Labcorp
Classification: Uncertain significance. Last evaluated: 2022-01-13. Review status: criteria provided, single submitter. Criteria: Invitae Variant Classification Sherloc (09022015). Collection method: clinical testing. Allele origin: germline.
Comment: Experimental studies and prediction algorithms are not available or were not evaluated, and the functional significance of this variant is currently unknown. In summary, the available evidence is currently insufficient to determine the role of this variant in disease. Therefore, it has been classified as a Variant of Uncertain Significance. ClinVar contains an entry for this variant (Variation ID: 944019). This variant has been observed in individuals with retinitis pigmentosa (Invitae). This variant is present in population databases (rs753751184, gnomAD 0.01%). This variant, c.263_265del, results in the deletion of 1 amino acid(s) of the CYP4V2 protein (p.Pro88del), but otherwise preserves the integrity of the reading frame.

NM_207352.4(CYP4V2):c.263_265del (p.Pro88del)

Gene: CYP4V2 (cytochrome P450 family 4 subfamily V member 2; plus strand). Cytogenetic location: 4q35.1.
Variant type: Deletion.
Coding change: c.263_265del on transcript NM_207352.4 (MANE Select); coding-DNA positions 263 to 265, 3 bases deleted (CGC; older notation c.263_265delCGC).
Protein change: p.Pro88del; deletes proline 88.
Molecular consequence: inframe deletion.
Genome position (GRCh38, 1-based): chr4:186,194,548-186,194,550, CGC deleted; deleting any 3 consecutive bases within chr4:186,194,546-186,194,550 gives the same sequence; the c. name uses the placement nearest the transcript's 3' end. VCF-style (leftmost placement, unchanged base first): chr4-186194545-TGCC-T. GRCh37 (hg19) VCF-style: chr4-187115699-TGCC-T.
Other names: short protein forms P88del.
Identifiers: ClinVar variation 944019 (VCV000944019.7), dbSNP rs753751184, ClinGen allele CA3162482.
Genomic context (GRCh38, chr4:186,194,545, plus strand): 5'-GATGTTTTTCCCCAGAATTTTTTCAGCAGATCATTGAGTACACAGAGGAATACCGCCACA[TGCC>T]GCTGCTGAAGCTCTGGGTCGGGCCAGTGCCCATGGTGGCCCTTTATAATGCAGAAAATGT-3'